The following is an entry in ClinVar:

NM_001330691.3(CEP78):c.55T>C (p.Tyr19His)

Gene: CEP78 (centrosomal protein 78; plus strand). Cytogenetic location: 9q21.2.
Variant type: single nucleotide variant.
Coding change: c.55T>C on transcript NM_001330691.3 (MANE Select); coding-DNA position 55, T replaced by C.
Protein change: p.Tyr19His; replaces tyrosine 19 with histidine.
Molecular consequence: missense variant.
Genome position (GRCh38, 1-based): chr9:78,236,405, T>C. VCF-style: chr9-78236405-T-C. GRCh37 (hg19) VCF-style: chr9-80851321-T-C.
Other names: c.55T>C, p.Tyr19His (NM_001098802.3, NM_001330693.3, NM_001330694.2 and 4 more transcripts); short protein forms Y19H.
Identifiers: ClinVar variation 4739355 (VCV004739355.1).

ClinVar aggregate classification (germline): Uncertain significance (1 of 4 stars; one submission).

gnomAD v4.1: 23 of 1,597,488 alleles (0.0014%); highest among the groups gnomAD compares: Non-Finnish European, 0.002%; no homozygotes.

Submission:

Labcorp Genetics (formerly Invitae), Labcorp
Classification: Uncertain significance. Last evaluated: 2025-10-07. Review status: criteria provided, single submitter. Criteria: Invitae Variant Classification Sherloc (09022015). Collection method: clinical testing. Allele origin: germline.
Comment: This sequence change replaces tyrosine, which is neutral and polar, with histidine, which is basic and polar, at codon 19 of the CEP78 protein (p.Tyr19His). The frequency data for this variant in the population databases is considered unreliable, as metrics indicate poor data quality at this position in the gnomAD database. This missense change has been observed in individual(s) with CEP78-related conditions (internal data). In at least one individual the data is consistent with being in trans (on the opposite chromosome) from a pathogenic variant. Invitae Evidence Modeling of protein sequence and biophysical properties (such as structural, functional, and spatial information, amino acid conservation, physicochemical variation, residue mobility, and thermodynamic stability) indicates that this missense variant is expected to disrupt CEP78 protein function with a positive predictive value of 80%. In summary, the available evidence is currently insufficient to determine the role of this variant in disease. Therefore, it has been classified as a Variant of Uncertain Significance.